The following is an entry in ClinVar:

NM_001282531.3(ADNP):c.2918A>G (p.Glu973Gly)

Gene: ADNP (activity dependent neuroprotector homeobox; minus strand). Cytogenetic location: 20q13.13.
Variant type: single nucleotide variant.
Coding change: c.2918A>G on transcript NM_001282531.3 (MANE Select); coding-DNA position 2918, A replaced by G.
Protein change: p.Glu973Gly; replaces glutamic acid 973 with glycine.
Molecular consequence: missense variant.
Genome position (GRCh38, 1-based): chr20:50,891,796, T>C on the plus strand (A>G on the coding strand, the complement: ADNP is on the minus strand). VCF-style: chr20-50891796-T-C. GRCh37 (hg19) VCF-style: chr20-49508333-T-C.
Other names: c.2918A>G, p.Glu973Gly (NM_001282532.2, NM_001347511.2, NM_015339.5 and 1 more transcripts); c.3134A>G, p.Glu1045Gly (NM_001439000.1); c.2234A>G, p.Glu745Gly (NM_001439001.1); short protein forms E973G, E1045G, E745G.
Identifiers: ClinVar variation 4759624 (VCV004759624.1).

ClinVar aggregate classification (germline): Uncertain significance (1 of 4 stars; one submission).

gnomAD v4.1: 8 of 1,614,088 alleles (0.0005%); highest among the groups gnomAD compares: East Asian, 0.0022%; no homozygotes.

Submission:

Labcorp Genetics (formerly Invitae), Labcorp
Classification: Uncertain significance. Last evaluated: 2025-12-10. Review status: criteria provided, single submitter. Criteria: Invitae Variant Classification Sherloc (09022015). Collection method: clinical testing. Allele origin: germline.
Comment: This sequence change replaces glutamic acid, which is acidic and polar, with glycine, which is neutral and non-polar, at codon 973 of the ADNP protein (p.Glu973Gly). This variant is present in population databases (no rsID available, gnomAD 0.002%). This variant has not been reported in the literature in individuals affected with ADNP-related conditions. An algorithm developed to predict the effect of missense changes on protein structure and function (PolyPhen-2) suggests that this variant is likely to be tolerated. In summary, the available evidence is currently insufficient to determine the role of this variant in disease. Therefore, it has been classified as a Variant of Uncertain Significance.